The following is an entry in ClinVar:

ClinVar aggregate classification (germline): Uncertain significance (1 of 4 stars; one submission).

Conditions:
Hereditary cancer-predisposing syndrome. Also called: Neoplastic Syndromes, Hereditary; Tumor predisposition; Hereditary neoplastic syndrome; Hereditary Cancer Syndrome. Identifiers: Orphanet 140162, MedGen C0027672, MeSH D009386, MONDO:0015356.

gnomAD v4.1: 1 of 1,499,270 alleles (0.000067%); highest among the groups gnomAD compares: Non-Finnish European, 0.000093%; no homozygotes.

Submission:

Ambry Genetics
Classification: Uncertain significance for Hereditary cancer-predisposing syndrome. Last evaluated: 2026-07-06. Review status: criteria provided, single submitter. Criteria: Ambry Variant Classification Scheme 2023. Collection method: clinical testing. Allele origin: germline.
Comment: The p.L58F variant (also known as c.172C>T) is located in coding exon 4 of the MAX gene. The leucine at codon 58 is replaced by phenylalanine, an amino acid with highly similar properties. This change occurs in the first base pair of coding exon 4. This amino acid position is conserved. In addition, this alteration is predicted to be tolerated by in silico analysis. Based on the available evidence, the clinical significance of this variant remains unclear.

NM_002382.5(MAX):c.172-6263C>T

Gene: MAX (MYC associated transcriptional regulator X; minus strand). Cytogenetic location: 14q23.3.
Variant type: single nucleotide variant.
Coding change: c.172-6263C>T on transcript NM_002382.5 (MANE Select); 6263 bases into the intron before coding-DNA position 172, C replaced by T.
Molecular consequence: intron variant. On other transcripts: missense variant (3), synonymous variant (1), non-coding transcript variant (4).
Genome position (GRCh38, 1-based): chr14:65,084,299, G>A on the plus strand (C>T on the coding strand, the complement: MAX is on the minus strand). VCF-style: chr14-65084299-G-A. GRCh37 (hg19) VCF-style: chr14-65551017-G-A.
Other names: c.145C>T, p.Leu49Phe (NM_001271068.2, NM_001407113.1); c.195C>T, p.Ser65= (NM_001407114.1); c.172C>T, p.Leu58Phe (NM_145114.3); c.144+9409C>T (NM_001271069.2); c.171+9409C>T (NM_197957.4); c.-196-6263C>T (NM_001407112.1, NM_001407111.1); c.-103-6263C>T (NM_001407106.1, NM_001407107.1, NM_001320415.2 and 1 more transcripts); c.145-6263C>T (NM_001407095.1, NM_001407110.1, NM_001407102.1 and 6 more transcripts); and 2 more; short protein forms L49F, L58F.
Identifiers: ClinVar variation 5023968 (VCV005023968.1).